The following is an entry in ClinVar:

NM_004629.2(FANCG):c.1180C>T (p.Pro394Ser)

Gene: FANCG (FA complementation group G; minus strand). Cytogenetic location: 9p13.3.
Variant type: single nucleotide variant.
Coding change: c.1180C>T on transcript NM_004629.2 (MANE Select); coding-DNA position 1180, C replaced by T.
Protein change: p.Pro394Ser; replaces proline 394 with serine.
Molecular consequence: missense variant.
Genome position (GRCh38, 1-based): chr9:35,075,718, G>A on the plus strand (C>T on the coding strand, the complement: FANCG is on the minus strand). VCF-style: chr9-35075718-G-A. GRCh37 (hg19) VCF-style: chr9-35075715-G-A.
Other names: short protein forms P394S.
Identifiers: ClinVar variation 4254451 (VCV004254451.1).

ClinVar aggregate classification (germline): Uncertain significance (1 of 4 stars; one submission).

Conditions:
Inborn genetic diseases. Identifiers: MedGen C0950123, MeSH D030342.

Submission:

Ambry Genetics
Classification: Uncertain significance for Inborn genetic diseases. Last evaluated: 2025-07-19. Review status: criteria provided, single submitter. Criteria: Ambry Variant Classification Scheme 2023. Collection method: clinical testing. Allele origin: germline.
Comment: The p.P394S variant (also known as c.1180C>T), located in coding exon 10 of the FANCG gene, results from a C to T substitution at nucleotide position 1180. The proline at codon 394 is replaced by serine, an amino acid with similar properties. This amino acid position is conserved. In addition, this alteration is predicted to be tolerated by in silico analysis. Based on the available evidence, the clinical significance of this variant remains unclear.